The following is an entry in ClinVar:

ClinVar aggregate classification (germline): Uncertain significance (1 of 4 stars; one submission).

Allele frequency attached by ClinVar (database versions not stated): gnomAD 0.00001 and 0.00002; TOPMed 0.00001; gnomAD exomes 0.00002 and 0.00006; ExAC 0.00005.
gnomAD v4.1: 30 of 1,613,854 alleles (0.0019%); highest among the groups gnomAD compares: Middle Eastern, 0.033%; 1 homozygote.

Submission:

GeneDx
Classification: Uncertain significance. Last evaluated: 2017-07-13. Review status: criteria provided, single submitter. Criteria: GeneDx Variant Classification (06012015). Collection method: clinical testing. Allele origin: germline. Affected: yes.
Comment: The A2299T variant in the ANK3 gene has not been reported previously as a pathogenic variant, nor as a benign variant, to our knowledge. The A2299T variant was not observed in approximately 6500 individuals of European and African American ancestry in the NHLBI Exome Sequencing Project, indicating it is not a common benign variant in these populations. The A2299T variant is a non-conservative amino acid substitution, which is likely to impact secondary protein structure as these residues differ in polarity, charge, size and/or other properties. However, this substitution occurs at a position that is not conserved. In silico analysis is inconsistent in its predictions as to whether or not the variant is damaging to the protein structure/function. We interpret A2299T as a variant of uncertain significance.

NM_020987.5(ANK3):c.6895G>A (p.Ala2299Thr)

Genes: ANK3 (ankyrin 3; minus strand), LOC130003862 (ATAC-STARR-seq lymphoblastoid active region 3393; plus strand). Cytogenetic location: 10q21.2.
Variant type: single nucleotide variant.
Coding change: c.6895G>A on transcript NM_020987.5 (MANE Select); coding-DNA position 6895, G replaced by A.
Protein change: p.Ala2299Thr; replaces alanine 2299 with threonine.
Molecular consequence: missense variant. On other transcripts: intron variant (4).
Genome position (GRCh38, 1-based): chr10:60,073,986, C>T on the plus strand (G>A on the coding strand, the complement: ANK3 is on the minus strand). VCF-style: chr10-60073986-C-T. GRCh37 (hg19) VCF-style: chr10-61833744-C-T.
Other names: c.4388-5977G>A (NM_001204403.2); c.4409-5977G>A (NM_001204404.2); c.4406-5977G>A (NM_001320874.2); c.1808-5977G>A (NM_001149.4); short protein forms A2299T.
Identifiers: ClinVar variation 390373 (VCV000390373.2), dbSNP rs772657195, ClinGen allele CA5511792.